The following is an entry in ClinVar:

NM_003982.4(SLC7A7):c.126_129del (p.Val43fs)

Gene: SLC7A7 (solute carrier family 7 member 7; minus strand). Cytogenetic location: 14q11.2.
Variant type: Deletion.
Coding change: c.126_129del on transcript NM_003982.4 (MANE Select); coding-DNA positions 126 to 129, 4 bases deleted (CGTG; older notation c.126_129delCGTG).
Protein change: p.Val43fs; shifts the reading frame from valine 43.
Molecular consequence: frameshift variant.
Genome position (GRCh38, 1-based): chr14:22,813,270-22,813,273, CACG deleted on the plus strand (CGTG on the coding strand, the reverse complement: SLC7A7 is on the minus strand); deleting any 4 consecutive bases within chr14:22,813,270-22,813,274 gives the same sequence; the c. name uses the placement nearest the transcript's 3' end. VCF-style (leftmost placement, unchanged base first): chr14-22813269-ACACG-A. GRCh37 (hg19) VCF-style: chr14-23282478-ACACG-A.
Other names: c.126_129del, p.Val43fs (NM_001126105.3, NM_001126106.4); short protein forms V43fs.
Identifiers: ClinVar variation 1376330 (VCV001376330.7), dbSNP rs2039349935, ClinGen allele CA2123167703.

ClinVar aggregate classification (germline): Pathogenic (1 of 4 stars; one submission).

Conditions:
Lysinuric protein intolerance (LPI). Identifiers: Orphanet 470, MedGen C0268647, MONDO:0009109, OMIM 222700.

Submission:

Labcorp Genetics (formerly Invitae), Labcorp
Classification: Pathogenic for Lysinuric protein intolerance. Last evaluated: 2021-09-20. Review status: criteria provided, single submitter. Criteria: Invitae Variant Classification Sherloc (09022015). Collection method: clinical testing. Allele origin: germline.
Comment: This sequence change creates a premature translational stop signal (p.Val43Alafs*2) in the SLC7A7 gene. It is expected to result in an absent or disrupted protein product. Loss-of-function variants in SLC7A7 are known to be pathogenic (PMID: 10631139, 17764084). This variant is not present in population databases (ExAC no frequency). This variant has not been reported in the literature in individuals affected with SLC7A7-related conditions. Algorithms developed to predict the effect of sequence changes on RNA splicing suggest that this variant may create or strengthen a splice site. For these reasons, this variant has been classified as Pathogenic.

Literature cited by the submitters: PubMed 10631139; PubMed 17764084.